The following is an entry in ClinVar:

NM_001267550.2(TTN):c.39274C>T (p.Pro13092Ser)

Gene: TTN (titin; minus strand). Cytogenetic location: 2q31.2.
Variant type: single nucleotide variant.
Coding change: c.39274C>T on transcript NM_001267550.2 (MANE Select); coding-DNA position 39274, C replaced by T.
Protein change: p.Pro13092Ser; replaces proline 13092 with serine.
Molecular consequence: missense variant. On other transcripts: intron variant (3).
Genome position (GRCh38, 1-based): chr2:178,652,117, G>A on the plus strand (C>T on the coding strand, the complement: TTN is on the minus strand). VCF-style: chr2-178652117-G-A. GRCh37 (hg19) VCF-style: chr2-179516844-G-A.
Other names: p.P11585S:CCG>TCG; c.34753C>T, p.Pro11585Ser (NM_001256850.1); c.31972C>T, p.Pro10658Ser (NM_133378.4); c.13283-9800C>T (NM_003319.4); c.13859-9800C>T (NM_133437.4); c.13658-9800C>T (NM_133432.3); short protein forms P11585S, P13092S, P10658S.
Identifiers: ClinVar variation 202603 (VCV000202603.2), dbSNP rs794729421, ClinGen allele CA309721.

ClinVar aggregate classification (germline): Uncertain significance (1 of 4 stars; one submission).

Allele frequency attached by ClinVar (database versions not stated): gnomAD exomes below 0.00001.
gnomAD v4.1: 2 of 1,612,908 alleles (0.00012%); highest among the groups gnomAD compares: Non-Finnish European, 0.000085%; no homozygotes.

Submission:

GeneDx
Classification: Uncertain significance. Last evaluated: 2014-04-29. Review status: criteria provided, single submitter. Criteria: GeneDx Variant Classification (06012015). Collection method: clinical testing. Allele origin: germline. Affected: yes.
Comment: Missense variants in the TTN gene are considered 'unclassified' if they are not previously reported in the literature and do not have >1% frequency in the population to be considered a polymorphism. Research indicates that truncating mutations in the TTN gene are expected to account for approximately 25% of familial and 18% of sporadic idiopathic DCM; however, truncating variants in the TTN gene have been reported in approximately 3% of reported control alleles. There has been little investigation into non-truncating variants. (Herman D et al. Truncations of titin causing dilated cardiomyopathy. N Eng J Med 366:619-628, 2012) The variant is found in CARDIOMYOPATHY panel(s).